The following is an entry in ClinVar:

ClinVar aggregate classification (germline): Conflicting classifications of pathogenicity. Review status: criteria provided, conflicting classifications (1 of 4 stars). 10 submissions from 10 submitters: Uncertain significance (8); Likely benign (1). 1 of the submissions does not count toward it. Last evaluated 2025-12-17.

Conditions:
Fanconi anemia complementation group A (FANCA). Also called: FANCA-Related Fanconi Anemia; Fanconi anemia, group A. Identifiers: Orphanet 84, MedGen C3469521, MONDO:0009215, OMIM 227650.
Fanconi anemia (FA). Also called: Fanconi's anemia. Identifiers: Orphanet 84, MedGen C0015625, MeSH D005199, MONDO:0019391.
FANCA-related disorder. Also called: FANCA-related condition.

Allele frequency attached by ClinVar (database versions not stated): ExAC 0.00003; gnomAD exomes 0.00006 and 0.00002; gnomAD 0.00001; TOPMed 0.00006.
gnomAD v4.1: 39 of 1,614,034 alleles (0.0024%); highest among the groups gnomAD compares: Admixed American, 0.032%; 1 homozygote.

Submissions (10):

Labcorp Genetics (formerly Invitae), Labcorp
Classification: Likely benign for Fanconi anemia. Last evaluated: 2025-12-17. Review status: criteria provided, single submitter. Criteria: Invitae Variant Classification Sherloc (09022015). Collection method: clinical testing. Allele origin: germline.

Dasa
Classification: Uncertain significance. Last evaluated: 2025-10-20. Review status: criteria provided, single submitter. Criteria: DASA Assertion Criteria. Collection method: clinical testing. Allele origin: germline.
Comment: NM_000135.4(FANCA):c.3733C>A (p.Gln1245Lys) is a missense variant that results in the substitution of glutamine with lysine. This variant is rare in population databases. Computational prediction algorithms are consistent with a benign effect. The currently available literature and clinical evidence are not sufficient to establish a definitive association between this variant and the reported condition. Therefore, this variant is classified as a variant of uncertain significance.

Quest Diagnostics Nichols Institute San Juan Capistrano
Classification: Uncertain significance. Last evaluated: 2025-09-07. Review status: criteria provided, single submitter. Criteria: Quest Diagnostics criteria. Collection method: clinical testing. Allele origin: unknown.
Comment: The FANCA c.3733C>A (p.Gln1245Lys) variant has been reported in the published literature in an individual with an unspecified hereditary cancer (PMID: 32235514 (2020)). The frequency of this variant in the general population (Genome Aggregation Database) is uninformative in the assessment of its pathogenicity. Analysis of this variant using bioinformatics tools for the prediction of the effect of amino acid changes on protein structure and function yielded predictions that this variant is benign. Based on the available information, we are unable to determine the clinical significance of this variant.

Mayo Clinic Laboratories, Mayo Clinic
Classification: Uncertain significance. Last evaluated: 2023-03-01. Review status: criteria provided, single submitter. Criteria: ACMG Guidelines, 2015. Collection method: clinical testing. Allele origin: germline. Observed: 2 variant alleles.
Comment: BP4

Fulgent Genetics
Classification: Uncertain significance for Fanconi anemia complementation group A. Last evaluated: 2021-12-24. Review status: criteria provided, single submitter. Criteria: ACMG Guidelines, 2015. Collection method: clinical testing. Allele origin: unknown.

Sema4
Classification: Uncertain significance for Fanconi anemia. Last evaluated: 2021-06-30. Review status: criteria provided, single submitter. Criteria: Sema4 Curation Guidelines. Collection method: curation. Allele origin: germline.
Comment: The FANCA c.3733C>A (p.Q1245K) variant has not been reported in the literature to our knowledge. It was observed in 11/34592 chromosomes, including 1 homozygote, of the Latino subpopulation in the large and broad cohorts of the Genome Aggregation Database (PMID: 32461654). The variant has been reported in ClinVar (Variation ID: 526323). In silico tools suggest the impact of the variant on protein function is inconclusive, though these predictions have not been confirmed by functional studies. The evidence is insufficient to meet ACMG/AMP criteria for classifying the variant as benign or pathogenic. Thus, the clinical significance of this variant is currently uncertain.

Baylor Genetics
Classification: Uncertain significance for Fanconi anemia complementation group A. Last evaluated: 2018-07-03. Review status: criteria provided, single submitter. Criteria: ACMG Guidelines, 2015. Collection method: clinical testing. Allele origin: maternal. Affected: yes.
Comment: This variant was determined to be of uncertain significance according to ACMG Guidelines, 2015 [PMID:25741868].

Genetic Services Laboratory, University of Chicago
Classification: Uncertain significance. Last evaluated: 2018-02-22. Review status: criteria provided, single submitter. Criteria: ACMG Guidelines, 2015. Collection method: clinical testing. Allele origin: germline. Affected: no.

Illumina Laboratory Services, Illumina
Classification: Uncertain significance for Fanconi anemia complementation group A. Last evaluated: 2018-01-13. Review status: criteria provided, single submitter. Criteria: ICSL Variant Classification Criteria 13 December 2019. Collection method: clinical testing. Allele origin: germline.

PreventionGenetics, part of Exact Sciences
Classification: Uncertain significance for FANCA-related condition. Last evaluated: 2024-01-08. Review status: no assertion criteria provided. Collection method: clinical testing. Allele origin: germline. Not counted in ClinVar's aggregate classification.
Comment: The FANCA c.3733C>A variant is predicted to result in the amino acid substitution p.Gln1245Lys. To our knowledge, this variant has not been reported in the literature. This variant is reported in 0.032% of alleles in individuals of Latino descent in gnomAD and is interpreted as uncertain in ClinVar. At this time, the clinical significance of this variant is uncertain due to the absence of conclusive functional and genetic evidence.

Literature cited by the submitters: PubMed 39643631 (cited by Quest Diagnostics Nichols Institute San Juan Capistrano); PubMed 32235514 (cited by Quest Diagnostics Nichols Institute San Juan Capistrano).

NM_000135.4(FANCA):c.3733C>A (p.Gln1245Lys)

Gene: FANCA (FA complementation group A; minus strand). Cytogenetic location: 16q24.3.
Variant type: single nucleotide variant.
Coding change: c.3733C>A on transcript NM_000135.4 (MANE Select); coding-DNA position 3733, C replaced by A.
Protein change: p.Gln1245Lys; replaces glutamine 1245 with lysine.
Molecular consequence: missense variant.
Genome position (GRCh38, 1-based): chr16:89,742,832, G>T on the plus strand (C>A on the coding strand, the complement: FANCA is on the minus strand). VCF-style: chr16-89742832-G-T. GRCh37 (hg19) VCF-style: chr16-89809240-G-T.
Other names: p.Gln1245Lys; c.3733C>A (NM_000135.3, LRG_495t1); c.3733C>A, p.Gln1245Lys (NM_001286167.3); short protein forms Q1245K.
Identifiers: ClinVar variation 526323 (VCV000526323.22), dbSNP rs745665658, ClinGen allele CA8251008.